The following is an entry in ClinVar:

NM_004281.4(BAG3):c.818C>A (p.Ala273Glu)

Gene: BAG3 (BAG cochaperone 3; plus strand). Cytogenetic location: 10q26.11.
Variant type: single nucleotide variant.
Coding change: c.818C>A on transcript NM_004281.4 (MANE Select); coding-DNA position 818, C replaced by A.
Protein change: p.Ala273Glu; replaces alanine 273 with glutamic acid.
Molecular consequence: missense variant.
Genome position (GRCh38, 1-based): chr10:119,672,565, C>A. VCF-style: chr10-119672565-C-A. GRCh37 (hg19) VCF-style: chr10-121432077-C-A.
Other names: short protein forms A273E.
Identifiers: ClinVar variation 3474751 (VCV003474751.1).
Genomic context (GRCh38, chr10:119,672,565, plus strand): 5'-ATGACTGGGAGCCCCGGCCCCTGCGGGCGGCATCCCCGTTCAGGTCATCTGTCCAGGGTG[C>A]ATCGAGCCGGGAGGGCTCACCAGCCAGGAGCAGCACGCCACTCCACTCCCCCTCGCCCAT-3'
Protein context (NP_004272.2, residues 263-283): ASPFRSSVQG[Ala273Glu]SSREGSPARS

ClinVar aggregate classification (germline): Uncertain significance (1 of 4 stars; one submission).

Conditions:
Cardiovascular phenotype. Identifiers: MedGen CN230736.

Submission:

Ambry Genetics
Classification: Uncertain significance for Cardiovascular phenotype. Last evaluated: 2024-07-30. Review status: criteria provided, single submitter. Criteria: Ambry Variant Classification Scheme 2023. Collection method: clinical testing. Allele origin: germline.
Comment: The p.A273E variant (also known as c.818C>A), located in coding exon 3 of the BAG3 gene, results from a C to A substitution at nucleotide position 818. The alanine at codon 273 is replaced by glutamic acid, an amino acid with dissimilar properties. This amino acid position is conserved. In addition, this alteration is predicted to be tolerated by in silico analysis. Based on the available evidence, the clinical significance of this variant remains unclear.